The following is an entry in ClinVar:

NM_138694.4(PKHD1):c.7734-6C>A

Gene: PKHD1 (PKHD1 ciliary IPT domain containing fibrocystin/polyductin; minus strand). Cytogenetic location: 6p12.2.
Variant type: single nucleotide variant.
Coding change: c.7734-6C>A on transcript NM_138694.4 (MANE Select); 6 bases into the intron before coding-DNA position 7734, C replaced by A.
Molecular consequence: intron variant.
Genome position (GRCh38, 1-based): chr6:51,856,076, G>T on the plus strand (C>A on the coding strand, the complement: PKHD1 is on the minus strand). VCF-style: chr6-51856076-G-T. GRCh37 (hg19) VCF-style: chr6-51720874-G-T.
Other names: c.7734-6C>A (NM_170724.3).
Identifiers: ClinVar variation 502737 (VCV000502737.21), dbSNP rs367564272, ClinGen allele CA3851847.

ClinVar aggregate classification (germline): Conflicting classifications of pathogenicity. Review status: criteria provided, conflicting classifications (1 of 4 stars). 4 submissions from 4 submitters: Uncertain significance (2); Likely benign (2). Last evaluated 2025-12-03.

Conditions:
Autosomal recessive polycystic kidney disease (ARPKD). Also called: AR polycystic kidney disease. Identifiers: Orphanet 731, Orphanet 8378, MedGen C0085548, MeSH D017044, MONDO:0009889.

Allele frequency attached by ClinVar (database versions not stated): gnomAD exomes 0.00001 and 0.00006; ExAC 0.00008; gnomAD 0.00018 and 0.00020; TOPMed 0.00028; ESP Exome Variant Server 0.00031; 1000 Genomes Project 30x 0.00047; 1000 Genomes Project 0.00060.
gnomAD v4.1: 48 of 1,569,384 alleles (0.0031%); highest among the groups gnomAD compares: African/African-American, 0.058%; no homozygotes.

Submissions (5):

Labcorp Genetics (formerly Invitae), Labcorp
Classification: Likely benign for Autosomal recessive polycystic kidney disease. Last evaluated: 2025-12-03. Review status: criteria provided, single submitter. Criteria: Invitae Variant Classification Sherloc (09022015). Collection method: clinical testing. Allele origin: germline.

Women's Health and Genetics/Laboratory Corporation of America, LabCorp
Classification: Likely benign. Last evaluated: 2025-04-28. Review status: criteria provided, single submitter. Criteria: LabCorp Variant Classification Summary - May 2015. Collection method: clinical testing. Allele origin: germline.

GeneDx
Classification: Uncertain significance. Last evaluated: 2020-06-29. Review status: criteria provided, single submitter. Criteria: GeneDx Variant Classification Process June 2021. Collection method: clinical testing. Allele origin: germline. Affected: yes.
Comment: In silico analysis, which includes splice predictors and evolutionary conservation, suggests this variant may impact gene splicing. In the absence of RNA/functional studies, the actual effect of this sequence change is unknown.; Has not been previously published as pathogenic or benign to our knowledge

Eurofins Ntd Llc (ga)
Classification: Uncertain significance. Last evaluated: 2017-06-26. Review status: criteria provided, single submitter. Criteria: EGL Classification Definitions 2015. Collection method: clinical testing. Allele origin: germline. Observed: 1 variant allele, 1 heterozygote.

Dr. Peter K. Rogan Lab, Western University
No classification provided (evidence only). Condition: Familial cancer of breast. Review status: no classification provided. Collection method: in vitro. Allele origin: not applicable. Functional consequence: retained intron. Not counted in ClinVar's aggregate classification.